The following is an entry in ClinVar:

ClinVar aggregate classification (germline): Uncertain significance (1 of 4 stars; one submission).

Allele frequency attached by ClinVar (database versions not stated): gnomAD 0.00001; TOPMed 0.00002; ESP Exome Variant Server 0.00008.
gnomAD v4.1: 11 of 1,581,388 alleles (0.0007%); highest among the groups gnomAD compares: Admixed American, 0.0035%; no homozygotes.

Submission:

Labcorp Genetics (formerly Invitae), Labcorp
Classification: Uncertain significance. Last evaluated: 2022-05-17. Review status: criteria provided, single submitter. Criteria: Invitae Variant Classification Sherloc (09022015). Collection method: clinical testing. Allele origin: germline.
Comment: In summary, the available evidence is currently insufficient to determine the role of this variant in disease. Therefore, it has been classified as a Variant of Uncertain Significance. Variants that disrupt the consensus splice site are a relatively common cause of aberrant splicing (PMID: 17576681, 9536098). Algorithms developed to predict the effect of sequence changes on RNA splicing suggest that this variant is not likely to affect RNA splicing. This variant has not been reported in the literature in individuals affected with TONSL-related conditions. The frequency data for this variant in the population databases is considered unreliable, as metrics indicate poor data quality at this position in the gnomAD database. This sequence change falls in intron 10 of the TONSL gene. It does not directly change the encoded amino acid sequence of the TONSL protein. It affects a nucleotide within the consensus splice site.

Literature cited by the submitters: PubMed 17576681; PubMed 9536098.

NM_013432.5(TONSL):c.1290+5G>A

Gene: TONSL (tonsoku like, DNA repair protein; minus strand). Cytogenetic location: 8q24.3.
Variant type: single nucleotide variant.
Coding change: c.1290+5G>A on transcript NM_013432.5 (MANE Select); 5 bases into the intron after coding-DNA position 1290, G replaced by A.
Molecular consequence: intron variant.
Genome position (GRCh38, 1-based): chr8:144,440,346, C>T on the plus strand (G>A on the coding strand, the complement: TONSL is on the minus strand). VCF-style: chr8-144440346-C-T. GRCh37 (hg19) VCF-style: chr8-145665729-C-T.
Identifiers: ClinVar variation 1933982 (VCV001933982.4), dbSNP rs376711033, ClinGen allele CA187674392.